The following is an entry in ClinVar:

ClinVar aggregate classification (germline): Uncertain significance (1 of 4 stars; one submission).

Conditions:
LAMA2-related muscular dystrophy (LAMA2-RD). Also called: Laminin alpha 2-related dystrophy. Identifiers: MedGen C5679788, MONDO:0100228.

Submission:

Labcorp Genetics (formerly Invitae), Labcorp
Classification: Uncertain significance for LAMA2-related muscular dystrophy. Last evaluated: 2025-08-21. Review status: criteria provided, single submitter. Criteria: Invitae Variant Classification Sherloc (09022015). Collection method: clinical testing. Allele origin: germline.
Comment: This sequence change replaces isoleucine, which is neutral and non-polar, with phenylalanine, which is neutral and non-polar, at codon 1910 of the LAMA2 protein (p.Ile1910Phe). This variant is not present in population databases (gnomAD no frequency). This variant has not been reported in the literature in individuals affected with LAMA2-related conditions. ClinVar contains an entry for this variant (Variation ID: 1716201). An algorithm developed to predict the effect of missense changes on protein structure and function (PolyPhen-2) suggests that this variant is likely to be disruptive. In summary, the available evidence is currently insufficient to determine the role of this variant in disease. Therefore, it has been classified as a Variant of Uncertain Significance.

NM_000426.4(LAMA2):c.5728A>T (p.Ile1910Phe)

Gene: LAMA2 (laminin subunit alpha 2; plus strand). Cytogenetic location: 6q22.33.
Variant type: single nucleotide variant.
Coding change: c.5728A>T on transcript NM_000426.4 (MANE Select); coding-DNA position 5728, A replaced by T.
Protein change: p.Ile1910Phe; replaces isoleucine 1910 with phenylalanine.
Molecular consequence: missense variant.
Genome position (GRCh38, 1-based): chr6:129,403,822, A>T. VCF-style: chr6-129403822-A-T. GRCh37 (hg19) VCF-style: chr6-129724967-A-T.
Other names: c.5728A>T, p.Ile1910Phe (NM_001079823.2); short protein forms I1910F.
Identifiers: ClinVar variation 1716201 (VCV001716201.6), dbSNP rs2533301560, ClinGen allele CA365616812.